The following is an entry in ClinVar:

ClinVar aggregate classification (germline): Uncertain significance. Review status: criteria provided, multiple submitters, no conflicts (2 of 4 stars). 3 submissions from 3 submitters: Uncertain significance (3). Last evaluated 2024-04-08.

Conditions:
Ataxia - intellectual disability - oculomotor apraxia - cerebellar cysts syndrome. Also called: Poretti-Boltshauser syndrome. Identifiers: Orphanet 370022, MedGen C4014821, MONDO:0014419, OMIM 615960.
Inborn genetic diseases. Identifiers: MedGen C0950123, MeSH D030342.

Allele frequency attached by ClinVar (database versions not stated): gnomAD exomes 0.00005 and 0.00007; ExAC 0.00010; 1000 Genomes Project 0.00020; TOPMed 0.00022; gnomAD 0.00024 and 0.00025; 1000 Genomes Project 30x 0.00031; ESP Exome Variant Server 0.00038.

Submissions (3):

Ambry Genetics
Classification: Uncertain significance for Inborn genetic diseases. Last evaluated: 2024-04-08. Review status: criteria provided, single submitter. Criteria: Ambry Variant Classification Scheme 2023. Collection method: clinical testing. Allele origin: germline.

Blueprint Genetics
Classification: Uncertain significance. Last evaluated: 2022-10-14. Review status: criteria provided, single submitter. Criteria: ACMG Guidelines, 2015. Collection method: clinical testing. Allele origin: germline.

Baylor Genetics
Classification: Uncertain significance for Ataxia - intellectual disability - oculomotor apraxia - cerebellar cysts syndrome. Last evaluated: 2019-12-06. Review status: criteria provided, single submitter. Criteria: ACMG Guidelines, 2015. Collection method: clinical testing. Allele origin: unknown. Affected: yes.
Comment: This variant was determined to be of uncertain significance according to ACMG Guidelines, 2015 [PMID:25741868].

NM_005559.4(LAMA1):c.7181G>A (p.Arg2394Gln)

Gene: LAMA1 (laminin subunit alpha 1; minus strand). Cytogenetic location: 18p11.31.
Variant type: single nucleotide variant.
Coding change: c.7181G>A on transcript NM_005559.4 (MANE Select); coding-DNA position 7181, G replaced by A.
Protein change: p.Arg2394Gln; replaces arginine 2394 with glutamine.
Molecular consequence: missense variant.
Genome position (GRCh38, 1-based): chr18:6,965,302, C>T on the plus strand (G>A on the coding strand, the complement: LAMA1 is on the minus strand). VCF-style: chr18-6965302-C-T. GRCh37 (hg19) VCF-style: chr18-6965301-C-T.
Other names: short protein forms R2394Q.
Identifiers: ClinVar variation 1028394 (VCV001028394.3), dbSNP rs140792199, ClinGen allele CA8880990.